The following is an entry in ClinVar:

NM_005422.4(TECTA):c.715G>A (p.Val239Ile)

Genes: TBCEL-TECTA (TBCEL-TECTA readthrough; plus strand), TECTA (tectorin alpha; plus strand). Cytogenetic location: 11q23.3.
Variant type: single nucleotide variant.
Coding change: c.715G>A on transcript NM_005422.4 (MANE Select); coding-DNA position 715, G replaced by A.
Protein change: p.Val239Ile; replaces valine 239 with isoleucine.
Molecular consequence: missense variant.
Genome position (GRCh38, 1-based): chr11:121,113,643, G>A. VCF-style: chr11-121113643-G-A. GRCh37 (hg19) VCF-style: chr11-120984352-G-A.
Other names: c.1672G>A, p.Val558Ile (NM_001378761.1); short protein forms V558I, V239I.
Identifiers: ClinVar variation 3714679 (VCV003714679.2).
Genomic context (GRCh38, chr11:121,113,643, plus strand): 5'-TTCTTCAGCCTCCCGGGGTCAAGAACCCCCGAGATCGTGAATATCCAGGAGACCACAAAC[G>A]TCAATGTTCCAGGCCGCTGGGCATTTAAAGTTGATGGAAAGGAAATTGACCCAGCCAATG-3'
Protein context (NP_005413.2, residues 229-249): EIVNIQETTN[Val239Ile]NVPGRWAFKV

ClinVar aggregate classification (germline): Uncertain significance (1 of 4 stars; one submission).

gnomAD v4.1: 24 of 1,613,756 alleles (0.0015%); highest among the groups gnomAD compares: Middle Eastern, 0.016%; no homozygotes.

Submission:

Labcorp Genetics (formerly Invitae), Labcorp
Classification: Uncertain significance. Last evaluated: 2024-06-19. Review status: criteria provided, single submitter. Criteria: Invitae Variant Classification Sherloc (09022015). Collection method: clinical testing. Allele origin: germline.
Comment: This sequence change replaces valine, which is neutral and non-polar, with isoleucine, which is neutral and non-polar, at codon 239 of the TECTA protein (p.Val239Ile). This variant is present in population databases (no rsID available, gnomAD 0.006%). This variant has not been reported in the literature in individuals affected with TECTA-related conditions. Advanced modeling of protein sequence and biophysical properties (such as structural, functional, and spatial information, amino acid conservation, physicochemical variation, residue mobility, and thermodynamic stability) performed at Invitae indicates that this missense variant is not expected to disrupt TECTA protein function with a negative predictive value of 95%. In summary, the available evidence is currently insufficient to determine the role of this variant in disease. Therefore, it has been classified as a Variant of Uncertain Significance.